The following is an entry in ClinVar:

NM_006648.4(WNK2):c.571G>T (p.Asp191Tyr)

Gene: WNK2 (WNK lysine deficient protein kinase 2; plus strand). Cytogenetic location: 9q22.31.
Variant type: single nucleotide variant.
Coding change: c.571G>T on transcript NM_006648.4 (MANE Select); coding-DNA position 571, G replaced by T.
Protein change: p.Asp191Tyr; replaces aspartic acid 191 with tyrosine.
Molecular consequence: missense variant.
Genome position (GRCh38, 1-based): chr9:93,185,500, G>T. VCF-style: chr9-93185500-G-T. GRCh37 (hg19) VCF-style: chr9-95947782-G-T.
Other names: c.571G>T, p.Asp191Tyr (NM_001282394.3); short protein forms D191Y.
Identifiers: ClinVar variation 4605273 (VCV004605273.1).

ClinVar aggregate classification (germline): Uncertain significance (1 of 4 stars; one submission).

Submission:

Ambry Genetics
Classification: Uncertain significance. Last evaluated: 2025-10-19. Review status: criteria provided, single submitter. Criteria: Ambry Variant Classification Scheme 2023. Collection method: clinical testing. Allele origin: germline.
Comment: The p.D191Y variant (also known as c.571G>T), located in coding exon 1 of the WNK2 gene, results from a G to T substitution at nucleotide position 571. The aspartic acid at codon 191 is replaced by tyrosine, an amino acid with highly dissimilar properties. This amino acid position is conserved. In addition, the in silico prediction for this alteration is inconclusive. Based on the available evidence, the clinical significance of this variant remains unclear.